The following is an entry in ClinVar:

NM_014023.4(WDR37):c.1192A>G (p.Met398Val)

Gene: WDR37 (WD repeat domain 37; plus strand). Cytogenetic location: 10p15.3.
Variant type: single nucleotide variant.
Coding change: c.1192A>G on transcript NM_014023.4 (MANE Select); coding-DNA position 1192, A replaced by G.
Protein change: p.Met398Val; replaces methionine 398 with valine.
Molecular consequence: missense variant.
Genome position (GRCh38, 1-based): chr10:1,124,306, A>G. VCF-style: chr10-1124306-A-G. GRCh37 (hg19) VCF-style: chr10-1170246-A-G.
Other names: short protein forms M398V.
Identifiers: ClinVar variation 4795715 (VCV004795715.1).
Genomic context (GRCh38, chr10:1,124,306, plus strand): 5'-GGAGACAACGTGGTTTCAGGCAGCGATGACCGCACGGTGAAAGTCTGGGACTTGAAAAAT[A>G]TGAGATCCCCCATTGCAACTATTCGCACGGACTCTGCCATTAACAGGTAAAGTCAAACTG-3'
Protein context (NP_054742.2, residues 388-408): RTVKVWDLKN[Met398Val]RSPIATIRTD

ClinVar aggregate classification (germline): Uncertain significance (1 of 4 stars; one submission).

gnomAD v4.1: 1 of 1,614,242 alleles (0.000062%); highest among the groups gnomAD compares: Non-Finnish European, 0.000085%; no homozygotes.

Submission:

GeneDx
Classification: Uncertain significance. Last evaluated: 2025-08-15. Review status: criteria provided, single submitter. Criteria: GeneDx Variant Classification Process June 2021. Collection method: clinical testing. Allele origin: germline. Affected: yes.
Comment: Not observed at significant frequency in large population cohorts (gnomAD); In silico analysis supports that this missense variant has a deleterious effect on protein structure/function; Has not been previously published as pathogenic or benign to our knowledge